The following is an entry in ClinVar:

NM_006009.4(TUBA1A):c.1307G>A (p.Gly436Asp)

Gene: TUBA1A (tubulin alpha 1a; minus strand). Cytogenetic location: 12q13.12.
Variant type: single nucleotide variant.
Coding change: c.1307G>A on transcript NM_006009.4 (MANE Select); coding-DNA position 1307, G replaced by A.
Protein change: p.Gly436Asp; replaces glycine 436 with aspartic acid.
Molecular consequence: missense variant.
Genome position (GRCh38, 1-based): chr12:49,185,059, C>T on the plus strand (G>A on the coding strand, the complement: TUBA1A is on the minus strand). VCF-style: chr12-49185059-C-T. GRCh37 (hg19) VCF-style: chr12-49578842-C-T.
Other names: c.1307G>A, p.Gly436Asp (NM_001270399.2); c.1202G>A, p.Gly401Asp (NM_001270400.2); short protein forms G436D, G401D.
Identifiers: ClinVar variation 625512 (VCV000625512.3), dbSNP rs1565626851, ClinGen allele CA384633226.
Genomic context (GRCh38, chr12:49,185,059, plus strand): 5'-ACGTTTTAACTTTAGTATTCCTCTCCTTCTTCCTCACCCTCTCCTTCAACAGAATCCACA[C>T]CAACCTCCTCATAATCCTTCTCAAGGGCAGCCATGTCCTCACGGGCCTCTGAAAACTCAC-3'
Protein context (NP_006000.2, residues 426-446): AALEKDYEEV[Gly436Asp]VDSVEGEGEE

ClinVar aggregate classification (germline): Pathogenic/Likely pathogenic. Review status: criteria provided, multiple submitters, no conflicts (2 of 4 stars). 2 submissions from 2 submitters: Pathogenic (1); Likely pathogenic (1). Last evaluated 2021-07-29.

Conditions:
TUBA1A-associated tubulinopathy.
Tubulinopathy. Also called: Tubulinopathies. Identifiers: MedGen CN850169, MONDO:0100153.

Submissions (2):

Institute of Human Genetics, Clinical Exome/Genome Diagnostics Group, University Hospital Bonn
Classification: Likely pathogenic for TUBA1A-associated tubulinopathy. Last evaluated: 2021-07-29. Review status: criteria provided, single submitter. Criteria: ACMG Guidelines, 2015. Collection method: clinical testing. Allele origin: germline. Affected: yes.
Comment: PS1, PM2, PP2

Institute of Human Genetics, FAU Erlangen, Friedrich-Alexander-Universität Erlangen-Nürnberg
Classification: Pathogenic for Tubulinopathies. Last evaluated: 2018-07-01. Review status: criteria provided, single submitter. Criteria: ACMG Guidelines, 2015. Collection method: clinical testing. Allele origin: de novo. Affected: yes. Observed: 1 variant allele.
Comment: The c.1307G>A, p.(Gly436Asp) variant has been reported as a variant of de novo origin. This variant and associated phenotype was previously reported by Hebebrand et al. Orphanet J. Rare. Dis., 2019 PMID: 30744660. HPO-standardized clinical features were: Hypoplasia of the corpus callosum (HP:0002079); Other (NA); Dilation of lateral ventricles (HP:0006956); no Congenital microcephaly (-HP:0011451); no Microcephaly (-HP:0000252); Muscular hypotonia (HP:0001252); no Seizures (-HP:0001250)

Literature cited by the submitters: PubMed 30744660 (cited by Institute of Human Genetics, FAU Erlangen, Friedrich-Alexander-Universität Erlangen-Nürnberg); DOI 10.1101/427948 (cited by Institute of Human Genetics, FAU Erlangen, Friedrich-Alexander-Universität Erlangen-Nürnberg).